The following is an entry in ClinVar:

ClinVar aggregate classification (germline): Benign (3 of 4 stars; one submission).

Conditions:
Breast-ovarian cancer, familial, susceptibility to, 1 (BROVCA1). Also called: BRCA1 Hereditary Breast and Ovarian Cancer; OVARIAN CANCER, SUSCEPTIBILITY TO. Identifiers: Orphanet 145, MedGen C2676676, MONDO:0011450, OMIM 604370. Disease mechanism: loss of function.

Allele frequency attached by ClinVar (database versions not stated): TOPMed 0.30196; gnomAD 0.30910 and 0.31648; 1000 Genomes Project 30x 0.34713; 1000 Genomes Project 0.35343.

Submission:

Evidence-based Network for the Interpretation of Germline Mutant Alleles (ENIGMA)
Classification: Benign for Breast-ovarian cancer, familial 1. Last evaluated: 2015-01-12. Review status: reviewed by expert panel. Criteria: ENIGMA BRCA1/2 Classification Criteria (2015). Collection method: curation. Allele origin: germline.
Comment: Class 1 not pathogenic based on frequency >1% in an outbred sampleset. Frequency 0.3304 (Asian), 0.2195 (African), 0.3602 (European), derived from 1000 genomes (2012-04-30).

NM_007294.4(BRCA1):c.4185+1571G>T

Gene: BRCA1 (BRCA1 DNA repair associated; minus strand). Cytogenetic location: 17q21.31.
Variant type: single nucleotide variant.
Coding change: c.4185+1571G>T on transcript NM_007294.4 (MANE Select); 1571 bases into the intron after coding-DNA position 4185, G replaced by T.
Molecular consequence: intron variant.
Genome position (GRCh38, 1-based): chr17:43,089,373, C>A on the plus strand (G>T on the coding strand, the complement: BRCA1 is on the minus strand). VCF-style: chr17-43089373-C-A. GRCh37 (hg19) VCF-style: chr17-41241390-C-A.
Other names: IVS 12+1571G>T; c.735+1571G>T (NM_001408458.1, NM_001408469.1, NM_001408453.1 and 11 more transcripts); c.3297+1571G>T (NM_001407967.1, NM_001407966.1); c.3804+1571G>T (NM_001407959.1, NM_001407963.1, NM_001407960.1); c.3918+1571G>T (NM_001407931.1, NM_001407932.1, NM_001407934.1 and 2 more transcripts); c.4041+1571G>T (NM_001407747.1, NM_001407848.1, NM_001407839.1 and 20 more transcripts); c.3801+1571G>T (NM_001407962.1); c.372+1571G>T (NM_001408512.1); and 42 more.
Identifiers: ClinVar variation 209432 (VCV000209432.2), dbSNP rs8176161, ClinGen allele CA276404.